The following is an entry in ClinVar:

NM_001035.3(RYR2):c.4822G>A (p.Val1608Met)

Gene: RYR2 (ryanodine receptor 2; plus strand). Cytogenetic location: 1q43.
Variant type: single nucleotide variant.
Coding change: c.4822G>A on transcript NM_001035.3 (MANE Select); coding-DNA position 4822, G replaced by A.
Protein change: p.Val1608Met; replaces valine 1608 with methionine.
Molecular consequence: missense variant.
Genome position (GRCh38, 1-based): chr1:237,610,900, G>A. VCF-style: chr1-237610900-G-A. GRCh37 (hg19) VCF-style: chr1-237774200-G-A.
Other names: short protein forms V1608M.
Identifiers: ClinVar variation 3070023 (VCV003070023.1), dbSNP rs1677780778, ClinGen allele CA345402703.

ClinVar aggregate classification (germline): Uncertain significance (1 of 4 stars; one submission).

Conditions:
Catecholaminergic polymorphic ventricular tachycardia (CVPT). Also called: Catecholamine-induced polymorphic ventricular tachycardia. Identifiers: Orphanet 3286, MedGen C5574922, MONDO:0017990.

Submission:

All of Us Research Program, National Institutes of Health
Classification: Uncertain significance for Catecholaminergic polymorphic ventricular tachycardia. Last evaluated: 2023-03-28. Review status: criteria provided, single submitter. Criteria: ACMG Guidelines, 2015. Collection method: clinical testing. Allele origin: germline. Inheritance: Autosomal dominant inheritance. Observed: 1 variant allele, 1 heterozygote.
Comment: This study involves interpretation of variants in research participants for the purpose of population health screening. Participant phenotype was not available at the time of variant classification. Additional details can be found in publication PMID: 35346344, PMCID: PMC8962531